The following is an entry in ClinVar:

ClinVar aggregate classification (germline): Likely pathogenic (1 of 4 stars; one submission).

Submission:

GeneDx
Classification: Likely pathogenic. Last evaluated: 2026-04-13. Review status: criteria provided, single submitter. Criteria: GeneDx Variant Classification Process June 2021. Collection method: clinical testing. Allele origin: germline.
Comment: Canonical splice site variant predicted to result in an in-frame loss of the adjacent exon in a gene for which loss of function is a known mechanism of disease; Not observed at significant frequency in large population cohorts (gnomAD); This variant is associated with the following publications: (PMID: 34032358)

NM_001009944.3(PKD1):c.7066-1G>A

Gene: PKD1 (polycystin 1, transient receptor potential channel interacting; minus strand). Cytogenetic location: 16p13.3.
Variant type: single nucleotide variant.
Coding change: c.7066-1G>A on transcript NM_001009944.3 (MANE Select); the canonical splice acceptor site of the intron before coding-DNA position 7066, G replaced by A.
Molecular consequence: splice acceptor variant.
Genome position (GRCh38, 1-based): chr16:2,106,949, C>T on the plus strand (G>A on the coding strand, the complement: PKD1 is on the minus strand). VCF-style: chr16-2106949-C-T. GRCh37 (hg19) VCF-style: chr16-2156950-C-T.
Other names: c.7066-1G>A (NM_000296.4).
Identifiers: ClinVar variation 5037744 (VCV005037744.1).
Genomic context (GRCh38, chr16:2,106,949, plus strand): 5'-TGCCTTGCAGGACACACACTCCAAGGACACAATGGGCACCCGGCCACTCCGGATCAGCAC[C>T]TGGCGTGGGAGTGGGGTTACCTCCAACACAGGTCTATTTGGCCTGCTGGAAGGACTGGGG-3'